The following is an entry in ClinVar:

NM_005751.5(AKAP9):c.1454A>C (p.Glu485Ala)

Gene: AKAP9 (A-kinase anchoring protein 9; plus strand). Cytogenetic location: 7q21.2.
Variant type: single nucleotide variant.
Coding change: c.1454A>C on transcript NM_005751.5 (MANE Select); coding-DNA position 1454, A replaced by C.
Protein change: p.Glu485Ala; replaces glutamic acid 485 with alanine.
Molecular consequence: missense variant.
Genome position (GRCh38, 1-based): chr7:92,001,371, A>C. VCF-style: chr7-92001371-A-C. GRCh37 (hg19) VCF-style: chr7-91630685-A-C.
Other names: c.1454A>C, p.Glu485Ala (NM_147185.3); short protein forms E485A.
Identifiers: ClinVar variation 3516157 (VCV003516157.2).

ClinVar aggregate classification (germline): Uncertain significance. Review status: criteria provided, multiple submitters, no conflicts (2 of 4 stars). 2 submissions from 2 submitters: Uncertain significance (2). Last evaluated 2025-06-30.

Conditions:
Cardiovascular phenotype. Identifiers: MedGen CN230736.
AKAP9-related disorder. Also called: AKAP9-related condition.

gnomAD v4.1: 1 of 1,613,842 alleles (0.000062%); highest among the groups gnomAD compares: Non-Finnish European, 0.000085%; no homozygotes.

Submissions (2):

PreventionGenetics, part of Exact Sciences
Classification: Uncertain significance for AKAP9-related condition. Last evaluated: 2025-06-30. Review status: criteria provided, single submitter. Criteria: ACMG Guidelines, 2015. Collection method: clinical testing. Allele origin: germline.
Comment: The AKAP9 c.1454A>C variant is predicted to result in the amino acid substitution p.Glu485Ala. To our knowledge, this variant has not been reported in the literature or in a large population database (gnomAD), indicating this variant is rare. At this time, the clinical significance of this variant is uncertain due to the absence of conclusive functional and genetic evidence.

Ambry Genetics
Classification: Uncertain significance for Cardiovascular phenotype. Last evaluated: 2024-07-07. Review status: criteria provided, single submitter. Criteria: Ambry Variant Classification Scheme 2023. Collection method: clinical testing. Allele origin: germline.
Comment: The p.E485A variant (also known as c.1454A>C), located in coding exon 8 of the AKAP9 gene, results from an A to C substitution at nucleotide position 1454. The glutamic acid at codon 485 is replaced by alanine, an amino acid with dissimilar properties. This amino acid position is conserved. In addition, this alteration is predicted to be tolerated by in silico analysis. Based on the available evidence, the clinical significance of this variant remains unclear.